The following is an entry in ClinVar:

NM_002439.5(MSH3):c.793-1G>A

Gene: MSH3 (mutS homolog 3; plus strand). Cytogenetic location: 5q14.1.
Variant type: single nucleotide variant.
Coding change: c.793-1G>A on transcript NM_002439.5 (MANE Select); the canonical splice acceptor site of the intron before coding-DNA position 793, G replaced by A.
Molecular consequence: splice acceptor variant.
Genome position (GRCh38, 1-based): chr5:80,672,243, G>A. VCF-style: chr5-80672243-G-A. GRCh37 (hg19) VCF-style: chr5-79968062-G-A.
Identifiers: ClinVar variation 4713492 (VCV004713492.1).
Genomic context (GRCh38, chr5:80,672,243, plus strand): 5'-AACATCACATAGGGAATCTTAAAATATAAATTTATTGATATTTTCTTTTTTCATTTTTTA[G>A]ATTGCAGCCCGAGAGCTCAATATTTATTGCCATTTAGATCACAACTTTATGACAGCAAGT-3'

ClinVar aggregate classification (germline): Likely pathogenic (1 of 4 stars; one submission).

Submission:

Labcorp Genetics (formerly Invitae), Labcorp
Classification: Likely pathogenic. Last evaluated: 2025-02-19. Review status: criteria provided, single submitter. Criteria: Invitae Variant Classification Sherloc (09022015). Collection method: clinical testing. Allele origin: germline.
Comment: This sequence change affects an acceptor splice site in intron 4 of the MSH3 gene. It is expected to disrupt RNA splicing. Variants that disrupt the donor or acceptor splice site typically lead to a loss of protein function (PMID: 16199547), and loss-of-function variants in MSH3 are known to be pathogenic (PMID: 27476653, 37402566). This variant is not present in population databases (gnomAD no frequency). This variant has not been reported in the literature in individuals affected with MSH3-related conditions. Algorithms developed to predict the effect of sequence changes on RNA splicing suggest that this variant may disrupt the consensus splice site. In summary, the currently available evidence indicates that the variant is pathogenic, but additional data are needed to prove that conclusively. Therefore, this variant has been classified as Likely Pathogenic.

Literature cited by the submitters: PubMed 16199547; PubMed 27476653; PubMed 37402566.